The following is an entry in ClinVar:

NM_015021.3(ZNF292):c.7874C>A (p.Ser2625Ter)

Gene: ZNF292 (zinc finger protein 292; plus strand). Cytogenetic location: 6q14.3.
Variant type: single nucleotide variant.
Coding change: c.7874C>A on transcript NM_015021.3 (MANE Select); coding-DNA position 7874, C replaced by A.
Protein change: p.Ser2625Ter; replaces serine 2625 with a stop codon.
Molecular consequence: nonsense.
Genome position (GRCh38, 1-based): chr6:87,261,503, C>A. VCF-style: chr6-87261503-C-A. GRCh37 (hg19) VCF-style: chr6-87971221-C-A.
Other names: c.7454C>A, p.Ser2485Ter (NM_001351444.2); short protein forms S2485*, S2625*.
Identifiers: ClinVar variation 1315990 (VCV001315990.3), dbSNP rs2127877426, ClinGen allele CA364945508.

ClinVar aggregate classification (germline): Uncertain significance (1 of 4 stars; one submission).

Submission:

GeneDx
Classification: Uncertain significance. Last evaluated: 2025-03-07. Review status: criteria provided, single submitter. Criteria: GeneDx Variant Classification Process June 2021. Collection method: clinical testing. Allele origin: germline. Affected: yes.
Comment: Not observed in large population cohorts (gnomAD); Nonsense variant predicted to result in protein truncation as the last 99 amino acid(s) are lost; Has not been previously published as pathogenic or benign to our knowledge